The following is an entry in ClinVar:

ClinVar aggregate classification (germline): Uncertain significance (1 of 4 stars; one submission).

Submission:

GeneDx
Classification: Uncertain significance. Last evaluated: 2026-04-22. Review status: criteria provided, single submitter. Criteria: GeneDx Variant Classification Process June 2021. Collection method: clinical testing. Allele origin: germline.
Comment: Not observed at significant frequency in large population cohorts (gnomAD); Missense variants in this gene are a common cause of disease and they are underrepresented in the general population; In silico analysis supports that this missense variant has a deleterious effect on protein structure/function; Has not been previously published as pathogenic or benign to our knowledge; This variant is associated with the following publications: (PMID: 23569079)

NM_001244710.2(GFPT1):c.1481A>C (p.Lys494Thr)

Gene: GFPT1 (glutamine--fructose-6-phosphate transaminase 1; minus strand). Cytogenetic location: 2p13.3.
Variant type: single nucleotide variant.
Coding change: c.1481A>C on transcript NM_001244710.2 (MANE Select); coding-DNA position 1481, A replaced by C.
Protein change: p.Lys494Thr; replaces lysine 494 with threonine.
Molecular consequence: missense variant.
Genome position (GRCh38, 1-based): chr2:69,337,899, T>G on the plus strand (A>C on the coding strand, the complement: GFPT1 is on the minus strand). VCF-style: chr2-69337899-T-G. GRCh37 (hg19) VCF-style: chr2-69565031-T-G.
Other names: c.1427A>C, p.Lys476Thr (NM_002056.4); short protein forms K476T, K494T.
Identifiers: ClinVar variation 5037589 (VCV005037589.1).